The following is an entry in ClinVar:

NM_020812.4(DOCK6):c.263A>G (p.Gln88Arg)

Gene: DOCK6 (dedicator of cytokinesis 6; minus strand). Cytogenetic location: 19p13.2.
Variant type: single nucleotide variant.
Coding change: c.263A>G on transcript NM_020812.4 (MANE Select); coding-DNA position 263, A replaced by G.
Protein change: p.Gln88Arg; replaces glutamine 88 with arginine.
Molecular consequence: missense variant.
Genome position (GRCh38, 1-based): chr19:11,252,828, T>C on the plus strand (A>G on the coding strand, the complement: DOCK6 is on the minus strand). VCF-style: chr19-11252828-T-C. GRCh37 (hg19) VCF-style: chr19-11363504-T-C.
Other names: c.263A>G, p.Gln88Arg (NM_001367830.1); short protein forms Q88R.
Identifiers: ClinVar variation 1947158 (VCV001947158.2), dbSNP rs765441341, ClinGen allele CA9208584.

ClinVar aggregate classification (germline): Uncertain significance (1 of 4 stars; one submission).

Allele frequency attached by ClinVar (database versions not stated): gnomAD 0.00001; gnomAD exomes 0.00002; ExAC 0.00007.
gnomAD v4.1: 33 of 1,613,394 alleles (0.002%); highest among the groups gnomAD compares: South Asian, 0.036%; no homozygotes.

Submission:

Labcorp Genetics (formerly Invitae), Labcorp
Classification: Uncertain significance. Last evaluated: 2022-05-09. Review status: criteria provided, single submitter. Criteria: Invitae Variant Classification Sherloc (09022015). Collection method: clinical testing. Allele origin: germline.
Comment: This sequence change replaces glutamine, which is neutral and polar, with arginine, which is basic and polar, at codon 88 of the DOCK6 protein (p.Gln88Arg). This variant is present in population databases (rs765441341, gnomAD 0.05%). This variant has not been reported in the literature in individuals affected with DOCK6-related conditions. Algorithms developed to predict the effect of missense changes on protein structure and function output the following: SIFT: "Tolerated"; PolyPhen-2: "Benign"; Align-GVGD: "Class C0". The arginine amino acid residue is found in multiple mammalian species, which suggests that this missense change does not adversely affect protein function. In summary, the available evidence is currently insufficient to determine the role of this variant in disease. Therefore, it has been classified as a Variant of Uncertain Significance.